The following is an entry in ClinVar:

NM_022455.5(NSD1):c.4765+10A>T

Gene: NSD1 (nuclear receptor binding SET domain protein 1; plus strand). Cytogenetic location: 5q35.3.
Variant type: single nucleotide variant.
Coding change: c.4765+10A>T on transcript NM_022455.5 (MANE Select); 10 bases into the intron after coding-DNA position 4765, A replaced by T.
Molecular consequence: intron variant.
Genome position (GRCh38, 1-based): chr5:177,251,863, A>T. VCF-style: chr5-177251863-A-T. GRCh37 (hg19) VCF-style: chr5-176678864-A-T.
Other names: c.4765+10A>T (NM_001409301.1, NM_001409302.1, NM_001409303.1); c.4345+10A>T (NM_001409304.1); c.4012+10A>T (NM_001409305.1); c.3892+10A>T (NM_001409306.1, NM_001409308.1, NM_001409307.1 and 3 more transcripts).
Identifiers: ClinVar variation 509803 (VCV000509803.1), dbSNP rs1554198444, ClinGen allele CA658796682.

ClinVar aggregate classification (germline): Likely benign (1 of 4 stars; one submission).

Submission:

GeneDx
Classification: Likely benign. Last evaluated: 2017-05-31. Review status: criteria provided, single submitter. Criteria: GeneDx Variant Classification (06012015). Collection method: clinical testing. Allele origin: germline. Affected: yes.
Comment: This variant is considered likely benign or benign based on one or more of the following criteria: it is a conservative change, it occurs at a poorly conserved position in the protein, it is predicted to be benign by multiple in silico algorithms, and/or has population frequency not consistent with disease.